The following is an entry in ClinVar:

ClinVar aggregate classification (germline): Benign (0 of 4 stars; one submission).

Conditions:
ZFHX3-related disorder. Also called: ZFHX3-related condition.

Allele frequency attached by ClinVar (database versions not stated): 1000 Genomes Project 0.01877; 1000 Genomes Project 30x 0.01905; gnomAD 0.03414; ESP Exome Variant Server 0.03833; ExAC 0.03940; gnomAD exomes 0.04683.

Submission:

PreventionGenetics, part of Exact Sciences
Classification: Benign for ZFHX3-related condition. Last evaluated: 2019-10-28. Review status: no assertion criteria provided. Collection method: clinical testing. Allele origin: germline.
Comment: This variant is classified as benign based on ACMG/AMP sequence variant interpretation guidelines (Richards et al. 2015 PMID: 25741868, with internal and published modifications).

NM_006885.4(ZFHX3):c.185C>T (p.Ala62Val)

Gene: ZFHX3 (zinc finger homeobox 3; minus strand). Cytogenetic location: 16q22.3.
Variant type: single nucleotide variant.
Coding change: c.185C>T on transcript NM_006885.4 (MANE Select); coding-DNA position 185, C replaced by T.
Protein change: p.Ala62Val; replaces alanine 62 with valine.
Molecular consequence: missense variant. On other transcripts: intron variant (1).
Genome position (GRCh38, 1-based): chr16:72,959,961, G>A on the plus strand (C>T on the coding strand, the complement: ZFHX3 is on the minus strand). VCF-style: chr16-72959961-G-A. GRCh37 (hg19) VCF-style: chr16-72993860-G-A.
Other names: c.185C>T, p.Ala62Val (NM_001386735.1); c.-23-8996C>T (NM_001164766.2); short protein forms A62V.
Identifiers: ClinVar variation 3058868 (VCV003058868.2), dbSNP rs62639999, ClinGen allele CA8165088.